The following is an entry in ClinVar:

NM_001184880.2(PCDH19):c.3293TCAACAATG[1] (p.1098VNN[1])

Gene: PCDH19 (protocadherin 19; minus strand). Cytogenetic location: Xq22.1.
Variant type: Microsatellite.
Coding change: c.3293TCAACAATG[1] on transcript NM_001184880.2 (MANE Select); one copy of the 9-base unit TCAACAATG starting at c.3293; the reference has two copies in a row; one copy, 9 bases deleted.
Protein change: p.1098VNN[1].
Molecular consequence: inframe deletion.
Genome position (GRCh38, 1-based): chrX:100,296,414-100,296,422, CATTGTTGA deleted on the plus strand (TCAACAATG on the coding strand, the reverse complement: PCDH19 is on the minus strand); deleting any 9 consecutive bases within chrX:100,296,414-100,296,434 gives the same sequence; the position shown is the placement nearest the transcript's 3' end. VCF-style (leftmost placement, unchanged base first): chrX-100296413-CCATTGTTGA-C. GRCh37 (hg19) VCF-style: chrX-99551411-CCATTGTTGA-C.
Other names: c.3152TCAACAATG[1], p.1051VNN[1] (NM_001105243.2); c.3149TCAACAATG[1], p.1050VNN[1] (NM_020766.3).
Identifiers: ClinVar variation 1942478 (VCV001942478.5), dbSNP rs750470204, ClinGen allele CA10468638.

ClinVar aggregate classification (germline): Uncertain significance (1 of 4 stars; one submission).

Conditions:
Developmental and epileptic encephalopathy, 9 (DEE9). Also called: Early infantile epileptic encephalopathy 9; EPILEPSY, FEMALE-RESTRICTED, WITH MENTAL RETARDATION; JUBERG-HELLMAN SYNDROME; PCDH19-Related X-Linked Female-Limited Epilepsy with Mental Retardation. Identifiers: Orphanet 101039, Orphanet 2076, MedGen C1848137, MONDO:0010246, OMIM 300088. Disease mechanism: loss of function.

Submission:

Labcorp Genetics (formerly Invitae), Labcorp
Classification: Uncertain significance for Developmental and epileptic encephalopathy, 9. Last evaluated: 2021-12-15. Review status: criteria provided, single submitter. Criteria: Invitae Variant Classification Sherloc (09022015). Collection method: clinical testing. Allele origin: germline.
Comment: This variant is present in population databases (rs750470204, gnomAD 0.02%). In summary, the available evidence is currently insufficient to determine the role of this variant in disease. Therefore, it has been classified as a Variant of Uncertain Significance. Experimental studies and prediction algorithms are not available or were not evaluated, and the functional significance of this variant is currently unknown. This variant has not been reported in the literature in individuals affected with PCDH19-related conditions. This variant, c.3302_3310del, results in the deletion of 3 amino acid(s) of the PCDH19 protein (p.Val1101_Asn1103del), but otherwise preserves the integrity of the reading frame.